The following is an entry in ClinVar:

NM_003836.7(DLK1):c.262+4G>A

Gene: DLK1 (delta like non-canonical Notch ligand 1; plus strand). Cytogenetic location: 14q32.2.
Variant type: single nucleotide variant.
Coding change: c.262+4G>A on transcript NM_003836.7 (MANE Select); 4 bases into the intron after coding-DNA position 262, G replaced by A.
Molecular consequence: intron variant.
Genome position (GRCh38, 1-based): chr14:100,729,070, G>A. VCF-style: chr14-100729070-G-A. GRCh37 (hg19) VCF-style: chr14-101195407-G-A.
Other names: c.262+4G>A (NM_001317172.2).
Identifiers: ClinVar variation 3030180 (VCV003030180.2), dbSNP rs2036476347, ClinGen allele CA390983077.
Genomic context (GRCh38, chr14:100,729,070, plus strand): 5'-GAGAACCCGGGCAGTGCATTTGCACCGACGGCTGGGACGGGGAGCTCTGTGATAGAGGTT[G>A]GCACTCGCCTTTGTTCACCTCAGCTCTGCGTCCTTACCTGCCTGCCCTAGCCCCTACCAC-3'

ClinVar aggregate classification (germline): Likely benign (0 of 4 stars; one submission).

Conditions:
DLK1-related disorder. Also called: DLK1-related condition.

Allele frequency attached by ClinVar (database versions not stated): TOPMed below 0.00001.

Submission:

PreventionGenetics, part of Exact Sciences
Classification: Likely benign for DLK1-related condition. Last evaluated: 2023-11-28. Review status: no assertion criteria provided. Collection method: clinical testing. Allele origin: germline.
Comment: This variant is classified as likely benign based on ACMG/AMP sequence variant interpretation guidelines (Richards et al. 2015 PMID: 25741868, with internal and published modifications).